The following is an entry in ClinVar:

ClinVar aggregate classification (germline): Uncertain significance (1 of 4 stars; one submission).

Conditions:
Multiple acyl-CoA dehydrogenase deficiency (MADD). Also called: Glutaric Acidemia type 2; ETHYLMALONIC-ADIPICACIDURIA; GA II; Glutaric acidemia type II; GA 2; Glutaric aciduria, type 2. Identifiers: Orphanet 26791, MedGen C0268596, MONDO:0009282, OMIM 231680.

Submission:

Labcorp Genetics (formerly Invitae), Labcorp
Classification: Uncertain significance for Multiple acyl-CoA dehydrogenase deficiency. Last evaluated: 2021-11-30. Review status: criteria provided, single submitter. Criteria: Invitae Variant Classification Sherloc (09022015). Collection method: clinical testing. Allele origin: germline.
Comment: In summary, the available evidence is currently insufficient to determine the role of this variant in disease. Therefore, it has been classified as a Variant of Uncertain Significance. Algorithms developed to predict the effect of missense changes on protein structure and function (SIFT, PolyPhen-2, Align-GVGD) all suggest that this variant is likely to be tolerated. This variant has not been reported in the literature in individuals affected with ETFB-related conditions. This variant is not present in population databases (gnomAD no frequency). This sequence change replaces arginine, which is basic and polar, with glycine, which is neutral and non-polar, at codon 174 of the ETFB protein (p.Arg174Gly).

NM_001985.3(ETFB):c.520C>G (p.Arg174Gly)

Gene: ETFB (electron transfer flavoprotein subunit beta; minus strand). Cytogenetic location: 19q13.41.
Variant type: single nucleotide variant.
Coding change: c.520C>G on transcript NM_001985.3 (MANE Select); coding-DNA position 520, C replaced by G.
Protein change: p.Arg174Gly; replaces arginine 174 with glycine.
Molecular consequence: missense variant.
Genome position (GRCh38, 1-based): chr19:51,346,977, G>C on the plus strand (C>G on the coding strand, the complement: ETFB is on the minus strand). VCF-style: chr19-51346977-G-C. GRCh37 (hg19) VCF-style: chr19-51850231-G-C.
Other names: c.793C>G, p.Arg265Gly (NM_001014763.1); short protein forms R174G, R265G.
Identifiers: ClinVar variation 1519272 (VCV001519272.6), dbSNP rs755539437, ClinGen allele CA407081089.
Genomic context (GRCh38, chr19:51,346,977, plus strand): 5'-TGGCGTAGCGGGGCTCGTTGAGCCTCAGGTCAGCTGTCACCACAGCTGGCAGCTTCAGGC[G>C]CAGGGTCTCCAGGCCCCCATCGATCTCCCGCTCCACTTTCAACTTGTCCCCCTCCAGCGT-3'
Protein context (NP_001976.1, residues 164-184): REIDGGLETL[Arg174Gly]LKLPAVVTAD